The following is an entry in ClinVar:

NM_001365536.1(SCN9A):c.2530_2531delinsCG (p.Lys844Arg)

Genes: SCN1A-AS1 (SCN1A and SCN9A antisense RNA 1; plus strand), SCN9A (sodium voltage-gated channel alpha subunit 9; minus strand). Cytogenetic location: 2q24.3.
Variant type: Indel.
Coding change: c.2530_2531delinsCG on transcript NM_001365536.1 (MANE Select); coding-DNA positions 2530 to 2531, AA replaced by CG.
Protein change: p.Lys844Arg; replaces lysine 844 with arginine.
Molecular consequence: missense variant.
Genome position (GRCh38, 1-based): chr2:166,277,326-166,277,327, TT replaced by CG on the plus strand (AA replaced by CG on the coding strand, the reverse complement: SCN9A is on the minus strand). VCF-style: chr2-166277326-TT-CG. GRCh37 (hg19) VCF-style: chr2-167133836-TT-CG.
Other names: c.2497_2498delAAinsCG, p.Lys833Arg (NM_002977.4); short protein forms K833R, K844R.
Identifiers: ClinVar variation 1515600 (VCV001515600.6), dbSNP rs2106469522, ClinGen allele CA2573133705.
Genomic context (GRCh38, chr2:166,277,326, plus strand): 5'-CCTACTGAGTTACCAATGATCTTAATCAGCATGTTCAATGTTGGCCAGGATTTTGCCAAC[TT>CG]GAAGACTCGGAGCTAAAAGCAAATATAAAGTTTAATGTTAATCACTATGAAAATCTTTTC-3'
Protein context (NP_001352465.1, residues 834-854): LRSFRLLRVF[Lys844Arg]LAKSWPTLNM

ClinVar aggregate classification (germline): Uncertain significance (1 of 4 stars; one submission).

Conditions:
Neuropathy, hereditary sensory and autonomic, type 2A (HSAN2A). Also called: HSAN IIA; WNK1-Related HSAN2 (HSAN2A); NEUROPATHY, CONGENITAL SENSORY; NEUROPATHY, HEREDITARY SENSORY RADICULAR, AUTOSOMAL RECESSIVE; NEUROPATHY, HEREDITARY SENSORY, TYPE IIA; NEUROPATHY, PROGRESSIVE SENSORY, OF CHILDREN. Identifiers: Orphanet 970, MedGen C2752089, MONDO:0024309, OMIM 201300.
Generalized epilepsy with febrile seizures plus, type 7 (GEFSP7). Also called: GEFS+, TYPE 7. Identifiers: Orphanet 36387, MedGen C2751778, MONDO:0013470, OMIM 613863.

Submission:

Labcorp Genetics (formerly Invitae), Labcorp
Classification: Uncertain significance for Neuropathy, hereditary sensory and autonomic, type 2A; Generalized epilepsy with febrile seizures plus, type 7. Last evaluated: 2021-06-24. Review status: criteria provided, single submitter. Criteria: Invitae Variant Classification Sherloc (09022015). Collection method: clinical testing. Allele origin: germline.
Comment: The frequency data for this variant in the population databases is not available, as this variant may be reported as separate entries in the ExAC database. This sequence change replaces lysine with arginine at codon 833 of the SCN9A protein (p.Lys833Arg). The lysine residue is highly conserved and there is a small physicochemical difference between lysine and arginine. This variant has not been reported in the literature in individuals affected with SCN9A-related conditions. Algorithms developed to predict the effect of missense changes on protein structure and function are either unavailable or do not agree on the potential impact of this missense change (SIFT: "Not Available"; PolyPhen-2: "Possibly Damaging"; Align-GVGD: "Not Available"). Algorithms developed to predict the effect of sequence changes on RNA splicing suggest that this variant may create or strengthen a splice site. In summary, the available evidence is currently insufficient to determine the role of this variant in disease. Therefore, it has been classified as a Variant of Uncertain Significance.